The following is an entry in ClinVar:

NM_001080.3(ALDH5A1):c.1475T>C (p.Val492Ala)

Gene: ALDH5A1 (aldehyde dehydrogenase 5 family member A1; plus strand). Cytogenetic location: 6p22.3.
Variant type: single nucleotide variant.
Coding change: c.1475T>C on transcript NM_001080.3 (MANE Select); coding-DNA position 1475, T replaced by C.
Protein change: p.Val492Ala; replaces valine 492 with alanine.
Molecular consequence: missense variant.
Genome position (GRCh38, 1-based): chr6:24,533,579, T>C. VCF-style: chr6-24533579-T-C. GRCh37 (hg19) VCF-style: chr6-24533807-T-C.
Other names: c.1331T>C, p.Val444Ala (NM_001368954.1); c.1514T>C, p.Val505Ala (NM_170740.1); short protein forms V444A, V505A, V492A.
Identifiers: ClinVar variation 1386246 (VCV001386246.8), dbSNP rs2127391187, ClinGen allele CA362967532.

ClinVar aggregate classification (germline): Uncertain significance (1 of 4 stars; one submission).

Conditions:
Succinate-semialdehyde dehydrogenase deficiency (SSADHD). Also called: SSADH DEFICIENCY; 4-HYDROXYBUTYRIC ACIDURIA; GABA METABOLIC DEFECT; Succinic Semialdehyde Dehydrogenase Deficiency. Identifiers: Orphanet 22, MedGen C0268631, MONDO:0010083, OMIM 271980.

Submission:

Labcorp Genetics (formerly Invitae), Labcorp
Classification: Uncertain significance for Succinate-semialdehyde dehydrogenase deficiency. Last evaluated: 2022-06-13. Review status: criteria provided, single submitter. Criteria: Invitae Variant Classification Sherloc (09022015). Collection method: clinical testing. Allele origin: germline.
Comment: This variant is not present in population databases (gnomAD no frequency). This sequence change replaces valine, which is neutral and non-polar, with alanine, which is neutral and non-polar, at codon 492 of the ALDH5A1 protein (p.Val492Ala). This variant has not been reported in the literature in individuals affected with ALDH5A1-related conditions. In summary, the available evidence is currently insufficient to determine the role of this variant in disease. Therefore, it has been classified as a Variant of Uncertain Significance. Advanced modeling of protein sequence and biophysical properties (such as structural, functional, and spatial information, amino acid conservation, physicochemical variation, residue mobility, and thermodynamic stability) performed at Invitae indicates that this missense variant is not expected to disrupt ALDH5A1 protein function.